The following is an entry in ClinVar:

ClinVar aggregate classification (germline): Uncertain significance (1 of 4 stars; one submission).

Allele frequency attached by ClinVar (database versions not stated): gnomAD exomes below 0.00001.

Submission:

Labcorp Genetics (formerly Invitae), Labcorp
Classification: Uncertain significance. Last evaluated: 2020-12-14. Review status: criteria provided, single submitter. Criteria: Invitae Variant Classification Sherloc (09022015). Collection method: clinical testing. Allele origin: germline.
Comment: In summary, the available evidence is currently insufficient to determine the role of this variant in disease. Therefore, it has been classified as a Variant of Uncertain Significance. Algorithms developed to predict the effect of missense changes on protein structure and function are either unavailable or do not agree on the potential impact of this missense change (SIFT: "Deleterious"; PolyPhen-2: "Probably Damaging"; Align-GVGD: "Class C15"). This variant has not been reported in the literature in individuals with TRPM1-related conditions. This variant is not present in population databases (ExAC no frequency). This sequence change replaces proline with leucine at codon 1044 of the TRPM1 protein (p.Pro1044Leu). The proline residue is highly conserved and there is a moderate physicochemical difference between proline and leucine.

NM_001252024.2(TRPM1):c.3197C>T (p.Pro1066Leu)

Genes: TRPM1 (transient receptor potential cation channel subfamily M member 1; minus strand), TRPM1-AS1 (TRPM1 antisense RNA 1; plus strand). Cytogenetic location: 15q13.3.
Variant type: single nucleotide variant.
Coding change: c.3197C>T on transcript NM_001252024.2 (MANE Select); coding-DNA position 3197, C replaced by T.
Protein change: p.Pro1066Leu; replaces proline 1066 with leucine.
Molecular consequence: missense variant.
Genome position (GRCh38, 1-based): chr15:31,028,428, G>A on the plus strand (C>T on the coding strand, the complement: TRPM1 is on the minus strand). VCF-style: chr15-31028428-G-A. GRCh37 (hg19) VCF-style: chr15-31320631-G-A.
Other names: c.3248C>T, p.Pro1083Leu (NM_001252020.2); c.3131C>T, p.Pro1044Leu (NM_002420.6); short protein forms P1044L, P1066L, P1083L.
Identifiers: ClinVar variation 1356460 (VCV001356460.8), dbSNP rs1410211397, ClinGen allele CA391543949.